The following is an entry in ClinVar:

NM_001383.6(DPH1):c.1127dup (p.Tyr376Ter)

Gene: DPH1 (diphthamide biosynthesis 1; plus strand). Cytogenetic location: 17p13.3.
Variant type: Duplication.
Coding change: c.1127dup on transcript NM_001383.6 (MANE Select); coding-DNA position 1127, one base duplicated (A; older notation c.1127dupA).
Protein change: p.Tyr376Ter; replaces tyrosine 376 with a stop codon.
Molecular consequence: nonsense. On other transcripts: non-coding transcript variant (3).
Genome position (GRCh38, 1-based): chr17:2,041,521, A duplicated. VCF-style (leftmost placement, unchanged base first): chr17-2041520-T-TA. GRCh37 (hg19) VCF-style: chr17-1944814-T-TA.
Other names: c.1079dup, p.Tyr360Ter (NM_001346574.1); c.1046dup, p.Tyr349Ter (NM_001346575.1); c.722dup, p.Tyr241Ter (NM_001346576.2); short protein forms Y241*, Y349*, Y360*, Y376*.
Identifiers: ClinVar variation 5019614 (VCV005019614.2).

ClinVar aggregate classification (germline): Likely pathogenic (1 of 4 stars; one submission).

Conditions:
Developmental delay with short stature, dysmorphic facial features, and sparse hair 1. Also called: LOUCKS-INNES SYNDROME. Identifiers: MedGen CN323360, MONDO:0800438, OMIM 616901.

Submission:

Juno Genomics, Hangzhou Juno Genomics, Inc
Classification: Likely pathogenic for Developmental delay with short stature, dysmorphic facial features, and sparse hair 1. Review status: criteria provided, single submitter. Criteria: ACMG Guidelines, 2015. Collection method: clinical testing. Allele origin: germline.
Comment: Absent from controls (or at extremely low frequency if recessive) in Genome Aggregation Database.;Null variant in a gene where loss of function (LOF) is a known mechanism of disease.